The following is an entry in ClinVar:

ClinVar aggregate classification (germline): Benign/Likely benign. Review status: criteria provided, multiple submitters, no conflicts (2 of 4 stars). 4 submissions from 4 submitters: Benign (1); Likely benign (3). Last evaluated 2025-01-20.

Conditions:
Hereditary cancer-predisposing syndrome. Also called: Tumor predisposition; Hereditary neoplastic syndrome; Neoplastic Syndromes, Hereditary; Hereditary Cancer Syndrome. Identifiers: Orphanet 140162, MedGen C0027672, MeSH D009386, MONDO:0015356.
Juvenile polyposis syndrome (JPS). Identifiers: Orphanet 2929, MedGen C0345893, MONDO:0017380, OMIM 174900.

Allele frequency attached by ClinVar (database versions not stated): TOPMed below 0.00001.

Submissions (4):

Ambry Genetics
Classification: Likely benign for Hereditary cancer-predisposing syndrome. Last evaluated: 2025-01-20. Review status: criteria provided, single submitter. Criteria: Ambry Variant Classification Scheme 2023. Collection method: clinical testing. Allele origin: germline.

Myriad Genetics, Inc.
Classification: Benign for Juvenile polyposis syndrome. Last evaluated: 2024-08-05. Review status: criteria provided, single submitter. Criteria: Myriad Autosomal Dominant, Autosomal Recessive and X-Linked Classification Criteria (2023). Collection method: clinical testing. Allele origin: unknown.
Comment: This variant is considered benign. This variant is a silent/synonymous amino acid change and it is not expected to impact splicing.

Labcorp Genetics (formerly Invitae), Labcorp
Classification: Likely benign for Juvenile polyposis syndrome. Last evaluated: 2024-02-16. Review status: criteria provided, single submitter. Criteria: Invitae Variant Classification Sherloc (09022015). Collection method: clinical testing. Allele origin: germline.

Color Diagnostics, LLC DBA Color Health
Classification: Likely benign for Hereditary cancer-predisposing syndrome. Last evaluated: 2019-01-22. Review status: criteria provided, single submitter. Criteria: ACMG Guidelines, 2015. Collection method: clinical testing. Allele origin: germline.

NM_004329.3(BMPR1A):c.693C>T (p.Ala231=)

Gene: BMPR1A (bone morphogenetic protein receptor type 1A; plus strand). Cytogenetic location: 10q23.2.
Variant type: single nucleotide variant.
Coding change: c.693C>T on transcript NM_004329.3 (MANE Select); coding-DNA position 693, C replaced by T.
Protein change: p.Ala231=; no amino-acid change (alanine 231 retained).
Molecular consequence: synonymous variant.
Genome position (GRCh38, 1-based): chr10:86,917,151, C>T. VCF-style: chr10-86917151-C-T. GRCh37 (hg19) VCF-style: chr10-88676908-C-T.
Identifiers: ClinVar variation 928205 (VCV000928205.12), dbSNP rs1060504906, ClinGen allele CA470307947.
Genomic context (GRCh38, chr10:86,917,151, plus strand): 5'-TTCTTTCATCAAGAGCTCAAACCTTTTACTTTTTTCTATAAAGGTTCAGCGAACTATTGC[C>T]AAACAGATTCAGATGGTCCGGCAAGTTGGTAAAGGCCGATATGGAGAAGTATGGATGGGC-3'
Protein context (NP_004320.2, residues 221-241): GLPLLVQRTI[Ala231=]KQIQMVRQVG